The following is an entry in ClinVar:

NM_023036.6(DNAI2):c.864+1G>T

Gene: DNAI2 (dynein axonemal intermediate chain 2; plus strand). Cytogenetic location: 17q25.1.
Variant type: single nucleotide variant.
Coding change: c.864+1G>T on transcript NM_023036.6 (MANE Select); the canonical splice donor site of the intron after coding-DNA position 864, G replaced by T.
Molecular consequence: splice donor variant.
Genome position (GRCh38, 1-based): chr17:74,299,858, G>T. VCF-style: chr17-74299858-G-T. GRCh37 (hg19) VCF-style: chr17-72295997-G-T.
Other names: c.864+1G>T (NM_001353167.2, NM_001172810.3).
Identifiers: ClinVar variation 933979 (VCV000933979.8), dbSNP rs1177965342, ClinGen allele CA400908893.

ClinVar aggregate classification (germline): Likely pathogenic (1 of 4 stars; one submission).

Conditions:
Primary ciliary dyskinesia. Also called: Ciliary dyskinesia. Identifiers: Orphanet 244, MedGen C0008780, MONDO:0016575, HP:0012265.

gnomAD v4.1: 2 of 1,613,408 alleles (0.00012%); highest among the groups gnomAD compares: Non-Finnish European, 0.00017%; no homozygotes.

Submission:

Labcorp Genetics (formerly Invitae), Labcorp
Classification: Likely pathogenic for Primary ciliary dyskinesia. Last evaluated: 2019-10-08. Review status: criteria provided, single submitter. Criteria: Invitae Variant Classification Sherloc (09022015). Collection method: clinical testing. Allele origin: germline.
Comment: In summary, the currently available evidence indicates that the variant is pathogenic, but additional data are needed to prove that conclusively. Therefore, this variant has been classified as Likely Pathogenic. Donor and acceptor splice site variants typically lead to a loss of protein function (PMID: 16199547), and loss-of-function variants in DNAI2 are known to be pathogenic (PMID: 18950741). Algorithms developed to predict the effect of sequence changes on RNA splicing suggest that this variant may disrupt the consensus splice site, but this prediction has not been confirmed by published transcriptional studies. This variant has not been reported in the literature in individuals with DNAI2-related conditions. This variant is not present in population databases (ExAC no frequency). This sequence change affects a donor splice site in intron 7 of the DNAI2 gene. It is expected to disrupt RNA splicing and likely results in an absent or disrupted protein product.

Literature cited by the submitters: PubMed 16199547; PubMed 18950741.